The following is an entry in ClinVar:

ClinVar aggregate classification (germline): Uncertain significance. Review status: criteria provided, multiple submitters, no conflicts (2 of 4 stars). 2 submissions from 2 submitters: Uncertain significance (2). Last evaluated 2024-01-01.

Conditions:
Luscan-Lumish syndrome. Identifiers: Orphanet 597738, MedGen C4085873, MONDO:0014791, OMIM 616831.

Allele frequency attached by ClinVar (database versions not stated): gnomAD exomes below 0.00001 and 0.00001; TOPMed 0.00002; gnomAD 0.00003.
gnomAD v4.1: 21 of 1,613,560 alleles (0.0013%); highest among the groups gnomAD compares: Non-Finnish European, 0.0018%; no homozygotes.

Submissions (2):

CeGaT Center for Human Genetics Tuebingen
Classification: Uncertain significance. Last evaluated: 2024-01-01. Review status: criteria provided, single submitter. Criteria: CeGaT Center For Human Genetics Tuebingen Variant Classification Criteria Version 2. Collection method: clinical testing. Allele origin: germline. Affected: yes. Observed: 1 variant allele.
Comment: SETD2: PM2, BP4

Labcorp Genetics (formerly Invitae), Labcorp
Classification: Uncertain significance for Luscan-Lumish syndrome. Last evaluated: 2020-10-08. Review status: criteria provided, single submitter. Criteria: Invitae Variant Classification Sherloc (09022015). Collection method: clinical testing. Allele origin: germline.
Comment: In summary, this variant has uncertain impact on SETD2 function. The available evidence is currently insufficient to determine its role in disease. Therefore, it has been classified as a Variant of Uncertain Significance. Algorithms developed to predict the effect of missense changes on protein structure and function output the following: SIFT: "Tolerated"; PolyPhen-2: "Benign"; Align-GVGD: "Class C0". The threonine amino acid residue is found in multiple mammalian species, suggesting that this missense change does not adversely affect protein function. These predictions have not been confirmed by published functional studies and their clinical significance is uncertain. This variant has not been reported in the literature in individuals with a SETD2-related disease. This variant is not present in population databases (ExAC no frequency). This sequence change replaces alanine with threonine at codon 1121 of the SETD2 protein (p.Ala1121Thr). The alanine residue is moderately conserved and there is a small physicochemical difference between alanine and threonine.

NM_014159.7(SETD2):c.3361G>A (p.Ala1121Thr)

Gene: SETD2 (SET domain containing 2, histone lysine methyltransferase; minus strand). Cytogenetic location: 3p21.31.
Variant type: single nucleotide variant.
Coding change: c.3361G>A on transcript NM_014159.7 (MANE Select); coding-DNA position 3361, G replaced by A.
Protein change: p.Ala1121Thr; replaces alanine 1121 with threonine.
Molecular consequence: missense variant. On other transcripts: non-coding transcript variant (1).
Genome position (GRCh38, 1-based): chr3:47,121,275, C>T on the plus strand (G>A on the coding strand, the complement: SETD2 is on the minus strand). VCF-style: chr3-47121275-C-T. GRCh37 (hg19) VCF-style: chr3-47162765-C-T.
Other names: c.3229G>A, p.Ala1077Thr (NM_001349370.3); short protein forms A1121T, A1077T.
Identifiers: ClinVar variation 475509 (VCV000475509.27), dbSNP rs1336548478, ClinGen allele CA352522757.